The following is an entry in ClinVar:

NM_000161.3(GCH1):c.689T>C (p.Met230Thr)

Gene: GCH1 (GTP cyclohydrolase 1; minus strand). Cytogenetic location: 14q22.2.
Variant type: single nucleotide variant.
Coding change: c.689T>C on transcript NM_000161.3 (MANE Select); coding-DNA position 689, T replaced by C.
Protein change: p.Met230Thr; replaces methionine 230 with threonine.
Molecular consequence: missense variant. On other transcripts: intron variant (2).
Genome position (GRCh38, 1-based): chr14:54,844,081, A>G on the plus strand (T>C on the coding strand, the complement: GCH1 is on the minus strand). VCF-style: chr14-54844081-A-G. GRCh37 (hg19) VCF-style: chr14-55310799-A-G.
Other names: c.689T>C, p.Met230Thr (NM_001024024.2); c.627-1027T>C (NM_001024071.2); c.627-212T>C (NM_001024070.2); short protein forms M230T.
Identifiers: ClinVar variation 1512651 (VCV001512651.8), dbSNP rs2140038798, ClinGen allele CA389787073.
Genomic context (GRCh38, chr14:54,844,081, plus strand): 5'-CTCCTAATGAGAGTCAGGAACTCTTCCCGAGTCTTTGGATCCTCCCGGAACACACCCAAC[A>G]TTGTGCTGGTCACAGTTTTGCTGTTCATTTTCTGTACACCTCGCATTACCATACACATGT-3'
Protein context (NP_000152.1, residues 220-240): KMNSKTVTST[Met230Thr]LGVFREDPKT

ClinVar aggregate classification (germline): Conflicting classifications of pathogenicity. Review status: criteria provided, conflicting classifications (1 of 4 stars). 2 submissions from 2 submitters: Likely pathogenic (1); Uncertain significance (1). Last evaluated 2021-02-22.

Conditions:
Dystonia 5 (DRD). Also called: DYSTONIA, PROGRESSIVE, WITH DIURNAL VARIATION; DYSTONIA-PARKINSONISM WITH DIURNAL FLUCTUATION; GTP Cyclohydrolase 1-Deficient Dopa-Responsive Dystonia; DYT-GCH1; Dystonia, DOPA-responsive, with or without hyperphenylalaninemia. Identifiers: Orphanet 98808, MedGen C1851920, MONDO:0007495, OMIM 128230.
GTP cyclohydrolase I deficiency. Identifiers: MedGen C0268467, MONDO:0100184.

Allele frequency attached by ClinVar (database versions not stated): gnomAD exomes below 0.00001.
gnomAD v4.1: 1 of 1,613,960 alleles (0.000062%); highest among the groups gnomAD compares: Non-Finnish European, 0.000085%; no homozygotes.

Submissions (2):

Labcorp Genetics (formerly Invitae), Labcorp
Classification: Uncertain significance for GTP cyclohydrolase I deficiency; Dystonia 5. Last evaluated: 2021-02-22. Review status: criteria provided, single submitter. Criteria: Invitae Variant Classification Sherloc (09022015). Collection method: clinical testing. Allele origin: germline.
Comment: In summary, the available evidence is currently insufficient to determine the role of this variant in disease. Therefore, it has been classified as a Variant of Uncertain Significance. Advanced modeling of protein sequence and biophysical properties (such as structural, functional, and spatial information, amino acid conservation, physicochemical variation, residue mobility, and thermodynamic stability) performed at Invitae indicates that this missense variant is expected to disrupt GCH1 protein function. This variant has not been reported in the literature in individuals with GCH1-related conditions. This variant is not present in population databases (ExAC no frequency). This sequence change replaces methionine with threonine at codon 230 of the GCH1 protein (p.Met230Thr). The methionine residue is highly conserved and there is a moderate physicochemical difference between methionine and threonine.

Institute of Human Genetics, University Hospital of Duesseldorf
Classification: Likely pathogenic for Dystonia 5. Review status: criteria provided, single submitter. Criteria: ACMG Guidelines, 2015. Collection method: not provided. Allele origin: germline. Inheritance: Autosomal dominant inheritance. Affected: yes.